The following is an entry in ClinVar:

ClinVar aggregate classification (germline): Uncertain significance (1 of 4 stars; one submission).

Submission:

Labcorp Genetics (formerly Invitae), Labcorp
Classification: Uncertain significance. Last evaluated: 2024-10-17. Review status: criteria provided, single submitter. Criteria: Invitae Variant Classification Sherloc (09022015). Collection method: clinical testing. Allele origin: germline.
Comment: This sequence change replaces glycine, which is neutral and non-polar, with arginine, which is basic and polar, at codon 102 of the IFITM5 protein (p.Gly102Arg). This variant is not present in population databases (gnomAD no frequency). This variant has not been reported in the literature in individuals affected with IFITM5-related conditions. An algorithm developed to predict the effect of missense changes on protein structure and function (PolyPhen-2) suggests that this variant is likely to be tolerated. In summary, the available evidence is currently insufficient to determine the role of this variant in disease. Therefore, it has been classified as a Variant of Uncertain Significance.

NM_001025295.3(IFITM5):c.304G>A (p.Gly102Arg)

Gene: IFITM5 (interferon induced transmembrane protein 5; minus strand). Cytogenetic location: 11p15.5.
Variant type: single nucleotide variant.
Coding change: c.304G>A on transcript NM_001025295.3 (MANE Select); coding-DNA position 304, G replaced by A.
Protein change: p.Gly102Arg; replaces glycine 102 with arginine.
Molecular consequence: missense variant.
Genome position (GRCh38, 1-based): chr11:298,596, C>T on the plus strand (G>A on the coding strand, the complement: IFITM5 is on the minus strand). VCF-style: chr11-298596-C-T. GRCh37 (hg19) VCF-style: chr11-298596-C-T.
Other names: short protein forms G102R.
Identifiers: ClinVar variation 3721901 (VCV003721901.2).